The following is an entry in ClinVar:

NM_032043.3(BRIP1):c.2400C>T (p.Tyr800=)

Gene: BRIP1 (BRCA1 interacting DNA helicase 1; minus strand). Cytogenetic location: 17q23.2.
Variant type: single nucleotide variant.
Coding change: c.2400C>T on transcript NM_032043.3 (MANE Select); coding-DNA position 2400, C replaced by T.
Protein change: p.Tyr800=; no amino-acid change (tyrosine 800 retained).
Molecular consequence: synonymous variant.
Genome position (GRCh38, 1-based): chr17:61,716,043, G>A on the plus strand (C>T on the coding strand, the complement: BRIP1 is on the minus strand). VCF-style: chr17-61716043-G-A. GRCh37 (hg19) VCF-style: chr17-59793404-G-A.
Identifiers: ClinVar variation 184809 (VCV000184809.34), dbSNP rs574552037, ClinGen allele CA190108.
Genomic context (GRCh38, chr17:61,716,043, plus strand): 5'-TTGAATTTCATACCACTGACGGCCAGGTAGAAGACCTCTCAATTTTGAATGGTGGTCATT[G>A]TATTGTCGTTTTAGTTCAACCTAATAATTTTAAAATATATTTAAAAAATTAGTAGATAAT-3'
Protein context (NP_114432.2, residues 790-810): KDLQVELKRQ[Tyr800=]NDHHSKLRGL

ClinVar aggregate classification (germline): Benign/Likely benign. Review status: criteria provided, multiple submitters, no conflicts (2 of 4 stars). 11 submissions from 11 submitters: Benign (4); Likely benign (7). Last evaluated 2026-01-31.

Conditions:
Familial ovarian cancer. Identifiers: MedGen C5679802, MONDO:0016248.
Hereditary cancer-predisposing syndrome. Also called: Tumor predisposition; Neoplastic Syndromes, Hereditary; Hereditary neoplastic syndrome; Hereditary Cancer Syndrome. Identifiers: Orphanet 140162, MedGen C0027672, MeSH D009386, MONDO:0015356.
Familial cancer of breast. Also called: hereditary breast carcinoma; BREAST CANCER, FAMILIAL; Hereditary breast cancer. Identifiers: Orphanet 227535, MedGen C0346153, MONDO:0016419, OMIM 114480. Disease mechanism: loss of function.
Fanconi anemia complementation group J. Also called: BRIP1-Related Fanconi Anemia. Identifiers: Orphanet 84, MedGen C1836860, MONDO:0012187, OMIM 609054.

Allele frequency attached by ClinVar (database versions not stated): 1000 Genomes Project 30x 0.00062; 1000 Genomes Project 0.00080.
gnomAD v4.1: 192 of 1,601,702 alleles (0.012%); highest among the groups gnomAD compares: South Asian, 0.21%; 1 homozygote.

Submissions (11):

Labcorp Genetics (formerly Invitae), Labcorp
Classification: Benign for Familial cancer of breast; Fanconi anemia complementation group J. Last evaluated: 2026-01-31. Review status: criteria provided, single submitter. Criteria: Invitae Variant Classification Sherloc (09022015). Collection method: clinical testing. Allele origin: germline.

Center for Genomic Medicine, Rigshospitalet, Copenhagen University Hospital
Classification: Likely benign. Last evaluated: 2025-03-04. Review status: criteria provided, single submitter. Criteria: ACMG Guidelines, 2015. Collection method: clinical testing. Allele origin: germline.

Myriad Genetics, Inc.
Classification: Benign for Familial cancer of breast. Last evaluated: 2024-09-04. Review status: criteria provided, single submitter. Criteria: Myriad Autosomal Dominant, Autosomal Recessive and X-Linked Classification Criteria (2023). Collection method: clinical testing. Allele origin: unknown.
Comment: This variant is considered benign. This variant is a silent/synonymous amino acid change and it is not expected to impact splicing.

Blueprint Genetics
Classification: Likely benign. Last evaluated: 2024-06-14. Review status: criteria provided, single submitter. Criteria: ACMG Guidelines, 2015. Collection method: clinical testing. Allele origin: germline.

KCCC/NGS Laboratory, Kuwait Cancer Control Center
Classification: Benign for Familial cancer of breast. Last evaluated: 2023-07-07. Review status: criteria provided, single submitter. Criteria: ACMG Guidelines, 2015. Collection method: clinical testing. Allele origin: germline. Affected: yes.

Women's Health and Genetics/Laboratory Corporation of America, LabCorp
Classification: Benign. Last evaluated: 2022-10-22. Review status: criteria provided, single submitter. Criteria: LabCorp Variant Classification Summary - May 2015. Collection method: clinical testing. Allele origin: germline.

Genetic Services Laboratory, University of Chicago
Classification: Likely benign. Last evaluated: 2021-05-04. Review status: criteria provided, single submitter. Criteria: ACMG Guidelines, 2015. Collection method: clinical testing. Allele origin: germline. Affected: no.

GeneDx
Classification: Likely benign. Last evaluated: 2021-03-15. Review status: criteria provided, single submitter. Criteria: GeneDx Variant Classification Process June 2021. Collection method: clinical testing. Allele origin: germline. Affected: yes.

Department of Pathology and Laboratory Medicine, Sinai Health System
Classification: Likely benign for familial ovarian cancer. Last evaluated: 2019-12-30. Review status: criteria provided, single submitter. Criteria: ACMG Guidelines, 2015. Collection method: clinical testing. Allele origin: germline. Affected: no.

Ambry Genetics
Classification: Likely benign for Hereditary cancer-predisposing syndrome. Last evaluated: 2016-02-29. Review status: criteria provided, single submitter. Criteria: Ambry Variant Classification Scheme 2023. Collection method: clinical testing. Allele origin: germline.

Color Diagnostics, LLC DBA Color Health
Classification: Likely benign for Hereditary cancer-predisposing syndrome. Last evaluated: 2015-08-17. Review status: criteria provided, single submitter. Criteria: ACMG Guidelines, 2015. Collection method: clinical testing. Allele origin: germline.